The following is an entry in ClinVar:

ClinVar aggregate classification (germline): Uncertain significance (1 of 4 stars; one submission).

Allele frequency attached by ClinVar (database versions not stated): gnomAD 0.00001.
gnomAD v4.1: 3 of 1,605,152 alleles (0.00019%); highest among the groups gnomAD compares: South Asian, 0.0033%; no homozygotes.

Submission:

Labcorp Genetics (formerly Invitae), Labcorp
Classification: Uncertain significance. Last evaluated: 2023-02-10. Review status: criteria provided, single submitter. Criteria: Invitae Variant Classification Sherloc (09022015). Collection method: clinical testing. Allele origin: germline.
Comment: In summary, the available evidence is currently insufficient to determine the role of this variant in disease. Therefore, it has been classified as a Variant of Uncertain Significance. Algorithms developed to predict the effect of missense changes on protein structure and function (SIFT, PolyPhen-2, Align-GVGD) all suggest that this variant is likely to be tolerated. This variant has not been reported in the literature in individuals affected with NAF1-related conditions. This variant is present in population databases (no rsID available, gnomAD 0.003%). This sequence change replaces aspartic acid, which is acidic and polar, with alanine, which is neutral and non-polar, at codon 115 of the NAF1 protein (p.Asp115Ala).

NM_138386.3(NAF1):c.344A>C (p.Asp115Ala)

Gene: NAF1 (nuclear assembly factor 1 ribonucleoprotein; minus strand). Cytogenetic location: 4q32.2.
Variant type: single nucleotide variant.
Coding change: c.344A>C on transcript NM_138386.3 (MANE Select); coding-DNA position 344, A replaced by C.
Protein change: p.Asp115Ala; replaces aspartic acid 115 with alanine.
Molecular consequence: missense variant.
Genome position (GRCh38, 1-based): chr4:163,166,384, T>G on the plus strand (A>C on the coding strand, the complement: NAF1 is on the minus strand). VCF-style: chr4-163166384-T-G. GRCh37 (hg19) VCF-style: chr4-164087536-T-G.
Other names: c.344A>C, p.Asp115Ala (NM_001128931.2); short protein forms D115A.
Identifiers: ClinVar variation 2779131 (VCV002779131.3), dbSNP rs778799121, ClinGen allele CA358661485.